The following is an entry in ClinVar:

NM_014495.4(ANGPTL3):c.228C>G (p.Asn76Lys)

Genes: ANGPTL3 (angiopoietin like 3; plus strand), DOCK7 (dedicator of cytokinesis 7; minus strand). Cytogenetic location: 1p31.3.
Variant type: single nucleotide variant.
Coding change: c.228C>G on transcript NM_014495.4 (MANE Select); coding-DNA position 228, C replaced by G.
Protein change: p.Asn76Lys; replaces asparagine 76 with lysine.
Molecular consequence: missense variant. On other transcripts: intron variant (7).
Genome position (GRCh38, 1-based): chr1:62,597,794, C>G. VCF-style: chr1-62597794-C-G. GRCh37 (hg19) VCF-style: chr1-63063465-C-G.
Other names: c.1683-11170G>C (NM_001272001.2, NM_001272000.2, NM_033407.4 and 4 more transcripts); short protein forms N76K.
Identifiers: ClinVar variation 1167253 (VCV001167253.31), dbSNP rs149086653, ClinGen allele CA886539.

ClinVar aggregate classification (germline): Benign/Likely benign. Review status: criteria provided, multiple submitters, no conflicts (2 of 4 stars). 5 submissions from 5 submitters: Benign (1); Likely benign (4). Last evaluated 2026-07-01.

Conditions:
Developmental and epileptic encephalopathy, 23 (DEE23). Also called: Epileptic encephalopathy, early infantile, 23. Identifiers: Orphanet 411986, MedGen C4014492, MONDO:0014371, OMIM 615859.

Allele frequency attached by ClinVar (database versions not stated): 1000 Genomes Project 30x 0.00016; 1000 Genomes Project 0.00020; gnomAD 0.00160 and 0.00161; ESP Exome Variant Server 0.00177.
gnomAD v4.1: 3,173 of 1,613,460 alleles (0.2%); highest among the groups gnomAD compares: Non-Finnish European, 0.2%; 8 homozygotes.

Submissions (5):

CeGaT Center for Human Genetics Tuebingen
Classification: Likely benign. Last evaluated: 2026-07-01. Review status: criteria provided, single submitter. Criteria: CeGaT Center For Human Genetics Tuebingen Variant Classification Criteria Version 2. Collection method: clinical testing. Allele origin: germline. Affected: yes. Observed: 8 variant alleles.
Comment: ANGPTL3: BS2

Labcorp Genetics (formerly Invitae), Labcorp
Classification: Benign. Last evaluated: 2025-12-18. Review status: criteria provided, single submitter. Criteria: Invitae Variant Classification Sherloc (09022015). Collection method: clinical testing. Allele origin: germline.

Genome-Nilou Lab
Classification: Likely benign for Developmental and epileptic encephalopathy, 23. Last evaluated: 2023-04-11. Review status: criteria provided, single submitter. Criteria: ACMG Guidelines, 2015. Collection method: clinical testing. Allele origin: germline. Affected: no.

GeneDx
Classification: Likely benign. Last evaluated: 2021-02-11. Review status: criteria provided, single submitter. Criteria: GeneDx Variant Classification Process June 2021. Collection method: clinical testing. Allele origin: germline. Affected: yes.
Comment: This variant is associated with the following publications: (PMID: 29572815)

Breakthrough Genomics
Classification: Likely benign. Review status: criteria provided, single submitter. Criteria: ACMG Guidelines, 2015. Collection method: not provided. Allele origin: germline. Inheritance: Autosomal recessive inheritance. Affected: yes.